The following is an entry in ClinVar:

NM_001370259.2(MEN1):c.1786A>G (p.Ser596Gly)

Gene: MEN1 (menin 1; minus strand). Cytogenetic location: 11q13.1.
Variant type: single nucleotide variant.
Coding change: c.1786A>G on transcript NM_001370259.2 (MANE Select); coding-DNA position 1786, A replaced by G.
Protein change: p.Ser596Gly; replaces serine 596 with glycine.
Molecular consequence: missense variant. On other transcripts: non-coding transcript variant (4).
Genome position (GRCh38, 1-based): chr11:64,804,381, T>C on the plus strand (A>G on the coding strand, the complement: MEN1 is on the minus strand). VCF-style: chr11-64804381-T-C. GRCh37 (hg19) VCF-style: chr11-64571853-T-C.
Other names: c.1801A>G, p.Ser601Gly (NM_000244.4, NM_001407145.1, NM_130800.3 and 4 more transcripts); c.1912A>G, p.Ser638Gly (NM_001370251.2, NM_001407142.1, NM_001407143.1 and 1 more transcripts); c.1786A>G, p.Ser596Gly (NM_001370260.2, NM_001370261.2, NM_001407146.1 and 2 more transcripts); c.1681A>G, p.Ser561Gly (NM_001370262.2, NM_001370263.2, NM_001407148.1 and 1 more transcripts); c.1927A>G, p.Ser643Gly (NM_001407150.1); c.1807A>G, p.Ser603Gly (NM_001407151.1); c.1621A>G, p.Ser541Gly (NM_001407152.1); short protein forms S603G, S643G, S541G, S601G, S561G, S596G, S638G.
Identifiers: ClinVar variation 3394983 (VCV003394983.3).

ClinVar aggregate classification (germline): Uncertain significance. Review status: criteria provided, multiple submitters, no conflicts (2 of 4 stars). 2 submissions from 2 submitters: Uncertain significance (2). Last evaluated 2025-12-28.

Conditions:
Hereditary cancer-predisposing syndrome. Also called: Hereditary Cancer Syndrome; Hereditary neoplastic syndrome; Neoplastic Syndromes, Hereditary; Tumor predisposition. Identifiers: Orphanet 140162, MedGen C0027672, MeSH D009386, MONDO:0015356.
Multiple endocrine neoplasia, type 1 (MEN1). Also called: MEN I; WERMER SYNDROME; Endocrine adenomatosis multiple; MEN 1; MEA I. Identifiers: Orphanet 652, MedGen C0025267, MeSH D018761, MONDO:0007540, OMIM 131100.

Submissions (2):

Labcorp Genetics (formerly Invitae), Labcorp
Classification: Uncertain significance for Multiple endocrine neoplasia, type 1. Last evaluated: 2025-12-28. Review status: criteria provided, single submitter. Criteria: Invitae Variant Classification Sherloc (09022015). Collection method: clinical testing. Allele origin: germline.
Comment: This sequence change replaces serine, which is neutral and polar, with glycine, which is neutral and non-polar, at codon 596 of the MEN1 protein (p.Ser596Gly). This variant is not present in population databases (gnomAD no frequency). This variant has not been reported in the literature in individuals affected with MEN1-related conditions. ClinVar contains an entry for this variant (Variation ID: 3394983). Invitae Evidence Modeling of protein sequence and biophysical properties (such as structural, functional, and spatial information, amino acid conservation, physicochemical variation, residue mobility, and thermodynamic stability) indicates that this missense variant is not expected to disrupt MEN1 protein function with a negative predictive value of 95%. Algorithms developed to predict the effect of sequence changes on RNA splicing suggest that this variant may create or strengthen a splice site. In summary, the available evidence is currently insufficient to determine the role of this variant in disease. Therefore, it has been classified as a Variant of Uncertain Significance.

Ambry Genetics
Classification: Uncertain significance for Hereditary cancer-predisposing syndrome. Last evaluated: 2024-10-19. Review status: criteria provided, single submitter. Criteria: Ambry Variant Classification Scheme 2023. Collection method: clinical testing. Allele origin: germline.
Comment: The p.S596G variant (also known as c.1786A>G), located in coding exon 9 of the MEN1 gene, results from an A to G substitution at nucleotide position 1786. The serine at codon 596 is replaced by glycine, an amino acid with similar properties. This amino acid position is conserved. In addition, this alteration is predicted to be tolerated by in silico analysis. Based on the available evidence, the clinical significance of this variant remains unclear.